The following is an entry in ClinVar:

ClinVar aggregate classification (germline): Uncertain significance (1 of 4 stars; one submission).

Allele frequency attached by ClinVar (database versions not stated): gnomAD exomes below 0.00001.
gnomAD v4.1: 1 of 1,613,902 alleles (0.000062%); highest among the groups gnomAD compares: Non-Finnish European, 0.000085%; no homozygotes.

Submission:

Labcorp Genetics (formerly Invitae), Labcorp
Classification: Uncertain significance. Last evaluated: 2020-12-17. Review status: criteria provided, single submitter. Criteria: Invitae Variant Classification Sherloc (09022015). Collection method: clinical testing. Allele origin: germline.
Comment: In summary, the available evidence is currently insufficient to determine the role of this variant in disease. Therefore, it has been classified as a Variant of Uncertain Significance. Advanced modeling of protein sequence and biophysical properties (such as structural, functional, and spatial information, amino acid conservation, physicochemical variation, residue mobility, and thermodynamic stability) performed at Invitae indicates that this missense variant is expected to disrupt OCA2 protein function. This variant has not been reported in the literature in individuals with OCA2-related conditions. This variant is not present in population databases (ExAC no frequency). This sequence change replaces asparagine with aspartic acid at codon 442 of the OCA2 protein (p.Asn442Asp). The asparagine residue is highly conserved and there is a small physicochemical difference between asparagine and aspartic acid.

NM_000275.3(OCA2):c.1324A>G (p.Asn442Asp)

Gene: OCA2 (OCA2 melanosomal transmembrane protein; minus strand). Cytogenetic location: 15q13.1.
Variant type: single nucleotide variant.
Coding change: c.1324A>G on transcript NM_000275.3 (MANE Select); coding-DNA position 1324, A replaced by G.
Protein change: p.Asn442Asp; replaces asparagine 442 with aspartic acid.
Molecular consequence: missense variant.
Genome position (GRCh38, 1-based): chr15:27,985,104, T>C on the plus strand (A>G on the coding strand, the complement: OCA2 is on the minus strand). VCF-style: chr15-27985104-T-C. GRCh37 (hg19) VCF-style: chr15-28230250-T-C.
Other names: c.1252A>G, p.Asn418Asp (NM_001300984.2); short protein forms N418D, N442D.
Identifiers: ClinVar variation 1485739 (VCV001485739.8), dbSNP rs1595764495, ClinGen allele CA391360572.
Genomic context (GRCh38, chr15:27,985,104, plus strand): 5'-GGCAGAGGTGCTTTGCGTACCTTATGGTCACAGGCGTGAAGAGGAGCATGGTGGTGACGT[T>C]GTCCAAGAAGGCAGAGAGGACGGCCGCGATGAGACAGAGCATGATGATCATGGCCCACAC-3'
Protein context (NP_000266.2, residues 432-452): IAAVLSAFLD[Asn442Asp]VTTMLLFTPV